The following is an entry in ClinVar:

NM_007294.4(BRCA1):c.2834G>C (p.Ser945Thr)

Gene: BRCA1 (BRCA1 DNA repair associated; minus strand). Cytogenetic location: 17q21.31.
Variant type: single nucleotide variant.
Coding change: c.2834G>C on transcript NM_007294.4 (MANE Select); coding-DNA position 2834, G replaced by C.
Protein change: p.Ser945Thr; replaces serine 945 with threonine.
Molecular consequence: missense variant. On other transcripts: intron variant (137).
Genome position (GRCh38, 1-based): chr17:43,092,697, C>G on the plus strand (G>C on the coding strand, the complement: BRCA1 is on the minus strand). VCF-style: chr17-43092697-C-G. GRCh37 (hg19) VCF-style: chr17-41244714-C-G.
Other names: c.2621G>C, p.Ser874Thr (NM_001407571.1, NM_001407853.1, NM_001407894.1 and 9 more transcripts); c.2834G>C, p.Ser945Thr (NM_001407581.1, NM_001407582.1, NM_001407583.1 and 30 more transcripts); c.2831G>C, p.Ser944Thr (NM_001407587.1, NM_001407590.1, NM_001407591.1 and 22 more transcripts); c.2825G>C, p.Ser942Thr (NM_001407646.1, NM_001407647.1); c.2711G>C, p.Ser904Thr (NM_001407648.1, NM_001407664.1, NM_001407665.1 and 19 more transcripts); c.2708G>C, p.Ser903Thr (NM_001407649.1, NM_001407670.1, NM_001407671.1 and 11 more transcripts); c.2756G>C, p.Ser919Thr (NM_001407653.1, NM_001407654.1, NM_001407655.1 and 4 more transcripts); c.2753G>C, p.Ser918Thr (NM_001407659.1, NM_001407660.1, NM_001407661.1 and 1 more transcripts); and 41 more; short protein forms S898T, S945T, S817T, S944T, S818T, S833T, S877T, S878T.
Identifiers: ClinVar variation 2445711 (VCV002445711.3), dbSNP rs746727823, ClinGen allele CA058279.
Genomic context (GRCh38, chr17:43,092,697, plus strand): 5'-AGTCCAGTTTCGTTGCCTCTGAACTGAGATGATAGACAAAACCTAGAGCCTCCTTTGATA[C>G]TACATTTGGCATTATCAACTGGCTTATCTTTCTGACCAACCACAGGAAAGCCTGCAGTGA-3'
Protein context (NP_009225.1, residues 935-955): KDKPVDNAKC[Ser945Thr]IKGGSRFCLS

ClinVar aggregate classification (germline): Likely benign (1 of 4 stars; one submission).

Allele frequency attached by ClinVar (database versions not stated): gnomAD exomes 0.00001; ExAC 0.00001.
gnomAD v4.1: 3 of 1,614,086 alleles (0.00019%); highest among the groups gnomAD compares: Non-Finnish European, 0.00025%; no homozygotes.

Submission:

Women's Health and Genetics/Laboratory Corporation of America, LabCorp
Classification: Likely benign. Last evaluated: 2025-04-04. Review status: criteria provided, single submitter. Criteria: LabCorp Variant Classification Summary - May 2015. Collection method: clinical testing. Allele origin: germline.
Comment: Variant summary: BRCA1 c.2834G>C (p.Ser945Thr) results in a conservative amino acid change in the encoded protein sequence. Five of five in-silico tools predict a benign effect of the variant on protein function. The variant allele was found at a frequency of 8e-06 in 251290 control chromosomes. The available data on variant occurrences in the general population are insufficient to allow any conclusion about variant significance. c.2834G>C has been reported in the literature in an individual affected with Hereditary Breast and Ovarian Cancer (Schenkel_2016). This report does not provide unequivocal conclusions about association of the variant with Hereditary Breast and Ovarian Cancer. Co-occurrences with other pathogenic variant (Internal testing) have been reported (BRCA1 c.2836_2837delAT, p.I946fs*5), providing supporting evidence for a benign role. To our knowledge, no experimental evidence demonstrating an impact on protein function has been reported. The following publication have been ascertained in the context of this evaluation (PMID: 27376475). ClinVar contains an entry for this variant (Variation ID: 2445711). Based on the evidence outlined above, the variant was classified as likely benign.

Literature cited by the submitters: PubMed 27376475.